The following is an entry in ClinVar:

NM_003824.4(FADD):c.51C>G (p.Ser17Arg)

Gene: FADD (Fas associated via death domain; plus strand). Cytogenetic location: 11q13.3.
Variant type: single nucleotide variant.
Coding change: c.51C>G on transcript NM_003824.4 (MANE Select); coding-DNA position 51, C replaced by G.
Protein change: p.Ser17Arg; replaces serine 17 with arginine.
Molecular consequence: missense variant.
Genome position (GRCh38, 1-based): chr11:70,203,510, C>G. VCF-style: chr11-70203510-C-G. GRCh37 (hg19) VCF-style: chr11-70049616-C-G.
Other names: short protein forms S17R.
Identifiers: ClinVar variation 953850 (VCV000953850.1), dbSNP rs1441791156, ClinGen allele CA381664955.

ClinVar aggregate classification (germline): Uncertain significance (1 of 4 stars; one submission).

Conditions:
FADD-related immunodeficiency. Also called: Infections, recurrent, with encephalopathy, hepatic dysfunction, and cardiovascular malformations; FADD DEFICIENCY. Identifiers: Orphanet 306550, MedGen C3151062, MONDO:0013408, OMIM 613759.

Submission:

Labcorp Genetics (formerly Invitae), Labcorp
Classification: Uncertain significance for Infections, recurrent, with encephalopathy, hepatic dysfunction, and cardiovascular malformations. Last evaluated: 2019-11-15. Review status: criteria provided, single submitter. Criteria: Invitae Variant Classification Sherloc (09022015). Collection method: clinical testing. Allele origin: germline.
Comment: This sequence change replaces serine with arginine at codon 17 of the FADD protein (p.Ser17Arg). The serine residue is weakly conserved and there is a moderate physicochemical difference between serine and arginine. This variant is not present in population databases (ExAC no frequency). This variant has not been reported in the literature in individuals with FADD-related conditions. Algorithms developed to predict the effect of missense changes on protein structure and function are either unavailable or do not agree on the potential impact of this missense change (SIFT: "Tolerated"; PolyPhen-2: "Possibly Damaging"; Align-GVGD: "Class C0"). In summary, the available evidence is currently insufficient to determine the role of this variant in disease. Therefore, it has been classified as a Variant of Uncertain Significance.